The following is an entry in ClinVar:

NM_004301.5(ACTL6A):c.1138T>G (p.Leu380Val)

Gene: ACTL6A (actin like 6A; plus strand). Cytogenetic location: 3q26.33.
Variant type: single nucleotide variant.
Coding change: c.1138T>G on transcript NM_004301.5 (MANE Select); coding-DNA position 1138, T replaced by G.
Protein change: p.Leu380Val; replaces leucine 380 with valine.
Molecular consequence: missense variant.
Genome position (GRCh38, 1-based): chr3:179,586,561, T>G. VCF-style: chr3-179586561-T-G. GRCh37 (hg19) VCF-style: chr3-179304349-T-G.
Other names: NC_000003.11:g.179304349T>G; c.1012T>G, p.Leu338Val (NM_177989.4, NM_178042.4); short protein forms L338V, L380V.
Identifiers: ClinVar variation 2672968 (VCV002672968.24), dbSNP rs73883564, ClinGen allele CA2712997.

ClinVar aggregate classification (germline): Benign (1 of 4 stars; one submission).

Allele frequency attached by ClinVar (database versions not stated): ExAC 0.00124; 1000 Genomes Project 0.00379; 1000 Genomes Project 30x 0.00437; ESP Exome Variant Server 0.00446; TOPMed 0.00457.
gnomAD v4.1: 1,309 of 1,591,762 alleles (0.082%); highest among the groups gnomAD compares: African/African-American, 1.6%; 9 homozygotes.

Submissions (3):

CeGaT Center for Human Genetics Tuebingen
Classification: Benign. Last evaluated: 2023-10-01. Review status: criteria provided, single submitter. Criteria: CeGaT Center For Human Genetics Tuebingen Variant Classification Criteria Version 2. Collection method: clinical testing. Allele origin: germline. Affected: yes. Observed: 1 variant allele.
Comment: ACTL6A: BS1, BS2

Dr. Peter K. Rogan Lab, Western University
No classification provided (evidence only). Condition: Ovarian serous cystadenocarcinoma. Review status: no classification provided. Collection method: in vitro. Allele origin: not applicable. Functional consequence: retained intron. Not counted in ClinVar's aggregate classification.

Dr. Peter K. Rogan Lab, Western University
No classification provided (evidence only). Condition: Familial pancreatic carcinoma. Review status: no classification provided. Collection method: in vitro. Allele origin: not applicable. Functional consequence: retained intron. Not counted in ClinVar's aggregate classification.